The following is an entry in ClinVar:

ClinVar aggregate classification (germline): Likely pathogenic (1 of 4 stars; one submission).

Conditions:
Fanconi anemia (FA). Also called: Fanconi's anemia. Identifiers: Orphanet 84, MedGen C0015625, MeSH D005199, MONDO:0019391.

Submission:

Labcorp Genetics (formerly Invitae), Labcorp
Classification: Likely pathogenic for Fanconi anemia. Last evaluated: 2023-03-23. Review status: criteria provided, single submitter. Criteria: Invitae Variant Classification Sherloc (09022015). Collection method: clinical testing. Allele origin: unknown.
Comment: In summary, the currently available evidence indicates that the variant is pathogenic, but additional data are needed to prove that conclusively. Therefore, this variant has been classified as Likely Pathogenic. This variant has not been reported in the literature in individuals affected with FANCA-related conditions. This variant results in a copy number gain of the genomic region encompassing exon(s) 6-20 of the FANCA gene. While the exact position of this variant cannot be determined from the data, sub-genic copy number gains are generally in tandem (PMID: 25640679). This variant is predicted to be out-of-frame, and may result in an absent or disrupted protein product. Loss-of-function variants in FANCA are known to be pathogenic (PMID: 19367192).

Literature cited by the submitters: PubMed 25640679; PubMed 19367192.

NC_000016.9:g.(?_89845189)_(89874795_?)dup

Gene: FANCA (FA complementation group A; minus strand). Cytogenetic location: 16q24.3.
Variant type: Duplication.
Identifiers: ClinVar variation 3243292 (VCV003243292.1).